The following is an entry in ClinVar:

NM_003579.4(RAD54L):c.1806A>C (p.Gln602His)

Gene: RAD54L (RAD54 like; plus strand). Cytogenetic location: 1p34.1.
Variant type: single nucleotide variant.
Coding change: c.1806A>C on transcript NM_003579.4 (MANE Select); coding-DNA position 1806, A replaced by C.
Protein change: p.Gln602His; replaces glutamine 602 with histidine.
Molecular consequence: missense variant.
Genome position (GRCh38, 1-based): chr1:46,274,654, A>C. VCF-style: chr1-46274654-A-C. GRCh37 (hg19) VCF-style: chr1-46740326-A-C.
Other names: c.1806A>C, p.Gln602His (NM_001142548.2); c.1266A>C, p.Gln422His (NM_001370766.1); short protein forms Q422H, Q602H.
Identifiers: ClinVar variation 1780472 (VCV001780472.2), dbSNP rs2525718743, ClinGen allele CA340186029.

ClinVar aggregate classification (germline): Uncertain significance (1 of 4 stars; one submission).

Submission:

Ambry Genetics
Classification: Uncertain significance. Last evaluated: 2021-12-10. Review status: criteria provided, single submitter. Criteria: Ambry Variant Classification Scheme 2023. Collection method: clinical testing. Allele origin: germline.
Comment: The p.Q602H variant (also known as c.1806A>C), located in coding exon 16 of the RAD54L gene, results from an A to C substitution at nucleotide position 1806. The glutamine at codon 602 is replaced by histidine, an amino acid with highly similar properties. This amino acid position is conserved. In addition, this alteration is predicted to be deleterious by in silico analysis. Since supporting evidence is limited at this time, the clinical significance of this alteration remains unclear.